The following is an entry in ClinVar:

ClinVar aggregate classification (germline): Uncertain significance (1 of 4 stars; one submission).

Allele frequency attached by ClinVar (database versions not stated): TOPMed 0.00001; gnomAD exomes below 0.00001 and 0.00001.
gnomAD v4.1: 3 of 1,612,532 alleles (0.00019%); highest among the groups gnomAD compares: Admixed American, 0.0017%; no homozygotes.

Submission:

Labcorp Genetics (formerly Invitae), Labcorp
Classification: Uncertain significance. Last evaluated: 2025-03-31. Review status: criteria provided, single submitter. Criteria: Invitae Variant Classification Sherloc (09022015). Collection method: clinical testing. Allele origin: germline.
Comment: This sequence change replaces proline, which is neutral and non-polar, with leucine, which is neutral and non-polar, at codon 863 of the VARS2 protein (p.Pro863Leu). This variant is present in population databases (no rsID available, gnomAD 0.006%). This variant has not been reported in the literature in individuals affected with VARS2-related conditions. ClinVar contains an entry for this variant (Variation ID: 1496966). Invitae Evidence Modeling of protein sequence and biophysical properties (such as structural, functional, and spatial information, amino acid conservation, physicochemical variation, residue mobility, and thermodynamic stability) indicates that this missense variant is not expected to disrupt VARS2 protein function with a negative predictive value of 80%. In summary, the available evidence is currently insufficient to determine the role of this variant in disease. Therefore, it has been classified as a Variant of Uncertain Significance.

NM_020442.6(VARS2):c.2498C>T (p.Pro833Leu)

Gene: VARS2 (valyl-tRNA synthetase 2, mitochondrial; plus strand). Cytogenetic location: 6p21.33.
Variant type: single nucleotide variant.
Coding change: c.2498C>T on transcript NM_020442.6 (MANE Select); coding-DNA position 2498, C replaced by T.
Protein change: p.Pro833Leu; replaces proline 833 with leucine.
Molecular consequence: missense variant.
Genome position (GRCh38, 1-based): chr6:30,924,385, C>T. VCF-style: chr6-30924385-C-T. GRCh37 (hg19) VCF-style: chr6-30892162-C-T.
Other names: c.2078C>T, p.Pro693Leu (NM_001167733.3); c.2588C>T, p.Pro863Leu (NM_001167734.2); short protein forms P833L, P863L, P693L.
Identifiers: ClinVar variation 1496966 (VCV001496966.6), dbSNP rs748548544, ClinGen allele CA363176675.